The following is an entry in ClinVar:

ClinVar aggregate classification (germline): Uncertain significance (1 of 4 stars; one submission).

Allele frequency attached by ClinVar (database versions not stated): ExAC 0.00001; gnomAD exomes 0.00002; TOPMed 0.00002; gnomAD 0.00003.
gnomAD v4.1: 38 of 1,614,096 alleles (0.0024%); highest among the groups gnomAD compares: Non-Finnish European, 0.0031%; no homozygotes.

Submission:

Labcorp Genetics (formerly Invitae), Labcorp
Classification: Uncertain significance. Last evaluated: 2023-09-29. Review status: criteria provided, single submitter. Criteria: Invitae Variant Classification Sherloc (09022015). Collection method: clinical testing. Allele origin: germline.
Comment: Advanced modeling of protein sequence and biophysical properties (such as structural, functional, and spatial information, amino acid conservation, physicochemical variation, residue mobility, and thermodynamic stability) performed at Invitae indicates that this missense variant is not expected to disrupt EPHA4 protein function. This variant has not been reported in the literature in individuals affected with EPHA4-related conditions. This variant is present in population databases (rs746462605, gnomAD 0.006%). This sequence change replaces glutamic acid, which is acidic and polar, with aspartic acid, which is acidic and polar, at codon 238 of the EPHA4 protein (p.Glu238Asp). In summary, the available evidence is currently insufficient to determine the role of this variant in disease. Therefore, it has been classified as a Variant of Uncertain Significance.

NM_004438.5(EPHA4):c.714A>T (p.Glu238Asp)

Gene: EPHA4 (EPH receptor A4; minus strand). Cytogenetic location: 2q36.1.
Variant type: single nucleotide variant.
Coding change: c.714A>T on transcript NM_004438.5 (MANE Select); coding-DNA position 714, A replaced by T.
Protein change: p.Glu238Asp; replaces glutamic acid 238 with aspartic acid.
Molecular consequence: missense variant.
Genome position (GRCh38, 1-based): chr2:221,563,840, T>A on the plus strand (A>T on the coding strand, the complement: EPHA4 is on the minus strand). VCF-style: chr2-221563840-T-A. GRCh37 (hg19) VCF-style: chr2-222428560-T-A.
Other names: c.714A>T, p.Glu238Asp (NM_001304536.2, NM_001363748.2); c.561A>T, p.Glu187Asp (NM_001304537.2); short protein forms E187D, E238D.
Identifiers: ClinVar variation 2906837 (VCV002906837.3), dbSNP rs746462605, ClinGen allele CA2135213.